The following is an entry in ClinVar:

NM_001031689.3(PLAA):c.280A>G (p.Ile94Val)

Gene: PLAA (phospholipase A2 activating protein; minus strand). Cytogenetic location: 9p21.2.
Variant type: single nucleotide variant.
Coding change: c.280A>G on transcript NM_001031689.3 (MANE Select); coding-DNA position 280, A replaced by G.
Protein change: p.Ile94Val; replaces isoleucine 94 with valine.
Molecular consequence: missense variant.
Genome position (GRCh38, 1-based): chr9:26,935,076, T>C on the plus strand (A>G on the coding strand, the complement: PLAA is on the minus strand). VCF-style: chr9-26935076-T-C. GRCh37 (hg19) VCF-style: chr9-26935074-T-C.
Other names: c.280A>G, p.Ile94Val (NM_001321546.2); c.280A>G (NM_001031689.2); short protein forms I94V.
Identifiers: ClinVar variation 1483969 (VCV001483969.6), dbSNP rs372798481, ClinGen allele CA5014691.

ClinVar aggregate classification (germline): Uncertain significance. Review status: criteria provided, multiple submitters, no conflicts (2 of 4 stars). 2 submissions from 2 submitters: Uncertain significance (2). Last evaluated 2022-11-18.

Conditions:
Inborn genetic diseases. Identifiers: MedGen C0950123, MeSH D030342.

Allele frequency attached by ClinVar (database versions not stated): TOPMed 0.00001; gnomAD exomes 0.00003; gnomAD 0.00004; ExAC 0.00005; ESP Exome Variant Server 0.00008; 1000 Genomes Project 30x 0.00016; 1000 Genomes Project 0.00020.
gnomAD v4.1: 74 of 1,610,394 alleles (0.0046%); highest among the groups gnomAD compares: South Asian, 0.0055%; no homozygotes.

Submissions (2):

Ambry Genetics
Classification: Uncertain significance for Inborn genetic diseases. Last evaluated: 2022-11-18. Review status: criteria provided, single submitter. Criteria: Ambry Variant Classification Scheme 2023. Collection method: clinical testing. Allele origin: germline.

Labcorp Genetics (formerly Invitae), Labcorp
Classification: Uncertain significance. Last evaluated: 2022-07-01. Review status: criteria provided, single submitter. Criteria: Invitae Variant Classification Sherloc (09022015). Collection method: clinical testing. Allele origin: germline.
Comment: This sequence change replaces isoleucine, which is neutral and non-polar, with valine, which is neutral and non-polar, at codon 94 of the PLAA protein (p.Ile94Val). This variant is present in population databases (rs372798481, gnomAD 0.006%). This variant has not been reported in the literature in individuals affected with PLAA-related conditions. ClinVar contains an entry for this variant (Variation ID: 1483969). Algorithms developed to predict the effect of missense changes on protein structure and function are either unavailable or do not agree on the potential impact of this missense change (SIFT: "Tolerated"; PolyPhen-2: "Probably Damaging"; Align-GVGD: "Class C0"). Algorithms developed to predict the effect of sequence changes on RNA splicing suggest that this variant may create or strengthen a splice site. In summary, the available evidence is currently insufficient to determine the role of this variant in disease. Therefore, it has been classified as a Variant of Uncertain Significance.